The following is an entry in ClinVar:

ClinVar aggregate classification (germline): Uncertain significance. Review status: criteria provided, single submitter (1 of 4 stars). 2 submissions from 2 submitters: Uncertain significance (1). 1 of the submissions does not count toward it. Last evaluated 2024-07-27.

Conditions:
Hereditary cancer-predisposing syndrome. Also called: Neoplastic Syndromes, Hereditary; Hereditary neoplastic syndrome; Tumor predisposition; Hereditary Cancer Syndrome. Identifiers: Orphanet 140162, MedGen C0027672, MeSH D009386, MONDO:0015356.
Bloom syndrome (BLM). Also called: Bloom-Torre-Machacek syndrome. Identifiers: Orphanet 125, MedGen C0005859, MONDO:0008876, OMIM 210900.

gnomAD v4.1: 1 of 1,604,572 alleles (0.000062%); no homozygotes.

Submissions (2):

Ambry Genetics
Classification: Uncertain significance for Hereditary cancer-predisposing syndrome. Last evaluated: 2024-07-27. Review status: criteria provided, single submitter. Criteria: Ambry Variant Classification Scheme 2023. Collection method: clinical testing. Allele origin: germline.
Comment: The p.K29R variant (also known as c.86A>G), located in coding exon 1 of the BLM gene, results from an A to G substitution at nucleotide position 86. The lysine at codon 29 is replaced by arginine, an amino acid with highly similar properties. This amino acid position is conserved. In addition, this alteration is predicted to be tolerated by in silico analysis. Based on the available evidence, the clinical significance of this variant remains unclear.

Natera, Inc.
Classification: Uncertain significance for Bloom syndrome. Last evaluated: 2020-04-23. Review status: no assertion criteria provided. Collection method: clinical testing. Allele origin: germline. Not counted in ClinVar's aggregate classification.

NM_000057.4(BLM):c.86A>G (p.Lys29Arg)

Gene: BLM (BLM RecQ like helicase; plus strand). Cytogenetic location: 15q26.1.
Variant type: single nucleotide variant.
Coding change: c.86A>G on transcript NM_000057.4 (MANE Select); coding-DNA position 86, A replaced by G.
Protein change: p.Lys29Arg; replaces lysine 29 with arginine.
Molecular consequence: missense variant. On other transcripts: 5 prime UTR variant (1).
Genome position (GRCh38, 1-based): chr15:90,747,478, A>G. VCF-style: chr15-90747478-A-G. GRCh37 (hg19) VCF-style: chr15-91290708-A-G.
Other names: c.86A>G (NM_000057.2); c.86A>G, p.Lys29Arg (NM_001287246.2, NM_001287247.2); c.-1206A>G (NM_001287248.2); short protein forms K29R.
Identifiers: ClinVar variation 990970 (VCV000990970.2), dbSNP rs1895535585, ClinGen allele CA393838999.